The following is an entry in ClinVar:

NM_000310.4(PPT1):c.65G>C (p.Arg22Pro)

Gene: PPT1 (palmitoyl-protein thioesterase 1; minus strand). Cytogenetic location: 1p34.2.
Variant type: single nucleotide variant.
Coding change: c.65G>C on transcript NM_000310.4 (MANE Select); coding-DNA position 65, G replaced by C.
Protein change: p.Arg22Pro; replaces arginine 22 with proline.
Molecular consequence: missense variant.
Genome position (GRCh38, 1-based): chr1:40,097,174, C>G on the plus strand (G>C on the coding strand, the complement: PPT1 is on the minus strand). VCF-style: chr1-40097174-C-G. GRCh37 (hg19) VCF-style: chr1-40562846-C-G.
Other names: c.65G>C, p.Arg22Pro (NM_001142604.2, NM_001363695.2); short protein forms R22P.
Identifiers: ClinVar variation 1006830 (VCV001006830.7), dbSNP rs1649904164, ClinGen allele CA339850762.

ClinVar aggregate classification (germline): Uncertain significance. Review status: criteria provided, single submitter (1 of 4 stars). 2 submissions from 2 submitters: Uncertain significance (1). 1 of the submissions does not count toward it. Last evaluated 2021-11-27.

Conditions:
Neuronal ceroid lipofuscinosis 1 (CLN1). Also called: CEROID LIPOFUSCINOSIS, NEURONAL, 1, VARIABLE AGE AT ONSET; PPT1-Related Neuronal Ceroid-Lipofuscinosis. Identifiers: Orphanet 228329, MedGen C1850451, MONDO:0009744, OMIM 256730.

Allele frequency attached by ClinVar (database versions not stated): gnomAD exomes below 0.00001; TOPMed below 0.00001.

Submissions (2):

Labcorp Genetics (formerly Invitae), Labcorp
Classification: Uncertain significance for Neuronal ceroid lipofuscinosis 1. Last evaluated: 2021-11-27. Review status: criteria provided, single submitter. Criteria: Invitae Variant Classification Sherloc (09022015). Collection method: clinical testing. Allele origin: germline.
Comment: This sequence change replaces arginine, which is basic and polar, with proline, which is neutral and non-polar, at codon 22 of the PPT1 protein (p.Arg22Pro). This variant is not present in population databases (gnomAD no frequency). This variant has not been reported in the literature in individuals affected with PPT1-related conditions. ClinVar contains an entry for this variant (Variation ID: 1006830). Advanced modeling of protein sequence and biophysical properties (such as structural, functional, and spatial information, amino acid conservation, physicochemical variation, residue mobility, and thermodynamic stability) performed at Invitae indicates that this missense variant is not expected to disrupt PPT1 protein function. In summary, the available evidence is currently insufficient to determine the role of this variant in disease. Therefore, it has been classified as a Variant of Uncertain Significance.

Natera, Inc.
Classification: Uncertain significance for Neuronal ceroid lipofuscinosis 1. Last evaluated: 2020-09-23. Review status: no assertion criteria provided. Collection method: clinical testing. Allele origin: germline. Not counted in ClinVar's aggregate classification.